The following is an entry in ClinVar:

ClinVar aggregate classification (germline): Uncertain significance (1 of 4 stars; one submission).

Submission:

Labcorp Genetics (formerly Invitae), Labcorp
Classification: Uncertain significance. Last evaluated: 2025-01-13. Review status: criteria provided, single submitter. Criteria: Invitae Variant Classification Sherloc (09022015). Collection method: clinical testing. Allele origin: germline.
Comment: This sequence change replaces glutamine, which is neutral and polar, with arginine, which is basic and polar, at codon 611 of the XPC protein (p.Gln611Arg). This variant is not present in population databases (gnomAD no frequency). This variant has not been reported in the literature in individuals affected with XPC-related conditions. Invitae Evidence Modeling of protein sequence and biophysical properties (such as structural, functional, and spatial information, amino acid conservation, physicochemical variation, residue mobility, and thermodynamic stability) indicates that this missense variant is not expected to disrupt XPC protein function with a negative predictive value of 80%. In summary, the available evidence is currently insufficient to determine the role of this variant in disease. Therefore, it has been classified as a Variant of Uncertain Significance.

NM_004628.5(XPC):c.1832A>G (p.Gln611Arg)

Gene: XPC (XPC complex subunit, DNA damage recognition and repair factor; minus strand). Cytogenetic location: 3p25.1.
Variant type: single nucleotide variant.
Coding change: c.1832A>G on transcript NM_004628.5 (MANE Select); coding-DNA position 1832, A replaced by G.
Protein change: p.Gln611Arg; replaces glutamine 611 with arginine.
Molecular consequence: missense variant. On other transcripts: non-coding transcript variant (2), intron variant (1).
Genome position (GRCh38, 1-based): chr3:14,158,051, T>C on the plus strand (A>G on the coding strand, the complement: XPC is on the minus strand). VCF-style: chr3-14158051-T-C. GRCh37 (hg19) VCF-style: chr3-14199551-T-C.
Other names: c.1253A>G, p.Gln418Arg (NM_001354726.2); c.1832A>G, p.Gln611Arg (NM_001354727.2); c.1814A>G, p.Gln605Arg (NM_001354729.2); c.1626+206A>G (NM_001354730.2); short protein forms Q418R, Q605R, Q611R.
Identifiers: ClinVar variation 3727200 (VCV003727200.2).
Genomic context (GRCh38, chr3:14,158,051, plus strand): 5'-CCTGGCAGCCAAGGCCTTACCTCCAAGTCTTCTTTCTTCTCCCTGTCCATAAATGGGCTC[T>C]GGTATGGTCTCAAGGTCTCGGCCCACCACTCAGCATCAACCCGGCACTTGCGGGTCACTG-3'
Protein context (NP_004619.3, residues 601-621): EWWAETLRPY[Gln611Arg]SPFMDREKKE